The following is an entry in ClinVar:

NM_006231.4(POLE):c.6498C>G (p.Asp2166Glu)

Gene: POLE (DNA polymerase epsilon, catalytic subunit; minus strand). Cytogenetic location: 12q24.33.
Variant type: single nucleotide variant.
Coding change: c.6498C>G on transcript NM_006231.4 (MANE Select); coding-DNA position 6498, C replaced by G.
Protein change: p.Asp2166Glu; replaces aspartic acid 2166 with glutamic acid.
Molecular consequence: missense variant.
Genome position (GRCh38, 1-based): chr12:132,626,150, G>C on the plus strand (C>G on the coding strand, the complement: POLE is on the minus strand). VCF-style: chr12-132626150-G-C. GRCh37 (hg19) VCF-style: chr12-133202736-G-C.
Other names: short protein forms D2166E.
Identifiers: ClinVar variation 862198 (VCV000862198.9), dbSNP rs946547049, ClinGen allele CA387367249.

ClinVar aggregate classification (germline): Uncertain significance (1 of 4 stars; one submission).

Submission:

Labcorp Genetics (formerly Invitae), Labcorp
Classification: Uncertain significance. Last evaluated: 2024-05-05. Review status: criteria provided, single submitter. Criteria: Invitae Variant Classification Sherloc (09022015). Collection method: clinical testing. Allele origin: germline.
Comment: This sequence change replaces aspartic acid, which is acidic and polar, with glutamic acid, which is acidic and polar, at codon 2166 of the POLE protein (p.Asp2166Glu). This variant is not present in population databases (gnomAD no frequency). This variant has not been reported in the literature in individuals affected with POLE-related conditions. ClinVar contains an entry for this variant (Variation ID: 862198). Advanced modeling of protein sequence and biophysical properties (such as structural, functional, and spatial information, amino acid conservation, physicochemical variation, residue mobility, and thermodynamic stability) performed at Invitae indicates that this missense variant is not expected to disrupt POLE protein function with a negative predictive value of 80%. In summary, the available evidence is currently insufficient to determine the role of this variant in disease. Therefore, it has been classified as a Variant of Uncertain Significance.